The following is an entry in ClinVar:

NM_000245.4(MET):c.3400T>A (p.Phe1134Ile)

Gene: MET (MET proto-oncogene, receptor tyrosine kinase; plus strand). Cytogenetic location: 7q31.2.
Variant type: single nucleotide variant.
Coding change: c.3400T>A on transcript NM_000245.4 (MANE Select); coding-DNA position 3400, T replaced by A.
Protein change: p.Phe1134Ile; replaces phenylalanine 1134 with isoleucine.
Molecular consequence: missense variant.
Genome position (GRCh38, 1-based): chr7:116,778,835, T>A. VCF-style: chr7-116778835-T-A. GRCh37 (hg19) VCF-style: chr7-116418889-T-A.
Other names: c.3454T>A, p.Phe1152Ile (NM_001127500.3); c.2110T>A, p.Phe704Ile (NM_001324402.2); short protein forms F1134I, F1152I, F704I.
Identifiers: ClinVar variation 2501298 (VCV002501298.2), dbSNP rs2117046070, ClinGen allele CA368990071.

ClinVar aggregate classification (germline): Uncertain significance (1 of 4 stars; one submission).

Conditions:
Papillary renal cell carcinoma type 1 (RCCP1). Also called: Renal adenocarcinoma; Renal cell carcinoma 1; Renal cell carcinoma, somatic; RENAL CELL CARCINOMA, PAPILLARY, 1, SOMATIC. Identifiers: Orphanet 47044, MedGen C1336839, OMIM 605074, HP:0011797.

Submission:

Institute of Human Genetics, University of Goettingen
Classification: Uncertain significance for Papillary renal cell carcinoma type 1. Last evaluated: 2023-05-05. Review status: criteria provided, single submitter. Criteria: ACMG Guidelines, 2015. Collection method: clinical testing. Allele origin: unknown. Inheritance: Autosomal dominant inheritance. Observed: 1 heterozygote.
Comment: The variant c.3400T>A (p.(Phe1134Ile)) in exon 17 of the MET-gene is not found in the gnomAD database, it affects a highly conserved nucleotide and a highly conserved amino acid within a protein domain and there is a small physicochemical difference between Phe and Ile. This variant has a pathogenic computational verdict based on in silico prediction algorithms. ACMG criteria used for classification: PM2, PP3.